The following is an entry in ClinVar:

NM_001042492.3(NF1):c.6986A>G (p.Asn2329Ser)

Gene: NF1 (neurofibromin 1; plus strand). Cytogenetic location: 17q11.2.
Variant type: single nucleotide variant.
Coding change: c.6986A>G on transcript NM_001042492.3 (MANE Select); coding-DNA position 6986, A replaced by G.
Protein change: p.Asn2329Ser; replaces asparagine 2329 with serine.
Molecular consequence: missense variant.
Genome position (GRCh38, 1-based): chr17:31,340,569, A>G. VCF-style: chr17-31340569-A-G. GRCh37 (hg19) VCF-style: chr17-29667587-A-G.
Other names: c.6923A>G, p.Asn2308Ser (NM_000267.4); short protein forms N2308S, N2329S.
Identifiers: ClinVar variation 641385 (VCV000641385.6), dbSNP rs1597848079, ClinGen allele CA399014979.
Genomic context (GRCh38, chr17:31,340,569, plus strand): 5'-CGCCTCTGCACAAAGCCCTCTTTTGGGTAGCTGTGGCTGTGCTGCAGCTTGATGAGGTCA[A>G]CTTGTATTCAGCAGGTACCGCACTTCTTGAACAAAACCTGCATACTTTAGATAGTCTCCG-3'
Protein context (NP_001035957.1, residues 2319-2339): AVAVLQLDEV[Asn2329Ser]LYSAGTALLE

ClinVar aggregate classification (germline): Uncertain significance. Review status: criteria provided, multiple submitters, no conflicts (2 of 4 stars). 2 submissions from 2 submitters: Uncertain significance (2). Last evaluated 2023-11-14.

Conditions:
Neurofibromatosis, type 1 (NF1). Also called: NEUROFIBROMATOSIS, TYPE I, SOMATIC; VON RECKLINGHAUSEN DISEASE; Neurofibromatosis, type I; Peripheral type neurofibromatosis. Identifiers: Orphanet 636, MedGen C0027831, MONDO:0018975, OMIM 162200. Disease mechanism: loss of function.

gnomAD v4.1: 3 of 1,614,160 alleles (0.00019%); highest among the groups gnomAD compares: Non-Finnish European, 0.00025%; no homozygotes.

Submissions (2):

Labcorp Genetics (formerly Invitae), Labcorp
Classification: Uncertain significance for Neurofibromatosis, type 1. Last evaluated: 2023-11-14. Review status: criteria provided, single submitter. Criteria: Invitae Variant Classification Sherloc (09022015). Collection method: clinical testing. Allele origin: germline.
Comment: This sequence change replaces asparagine, which is neutral and polar, with serine, which is neutral and polar, at codon 2308 of the NF1 protein (p.Asn2308Ser). This variant is not present in population databases (gnomAD no frequency). This variant has not been reported in the literature in individuals affected with NF1-related conditions. ClinVar contains an entry for this variant (Variation ID: 641385). Advanced modeling of protein sequence and biophysical properties (such as structural, functional, and spatial information, amino acid conservation, physicochemical variation, residue mobility, and thermodynamic stability) performed at Invitae indicates that this missense variant is not expected to disrupt NF1 protein function with a negative predictive value of 95%. In summary, the available evidence is currently insufficient to determine the role of this variant in disease. Therefore, it has been classified as a Variant of Uncertain Significance.

GeneDx
Classification: Uncertain significance. Last evaluated: 2023-04-07. Review status: criteria provided, single submitter. Criteria: GeneDx Variant Classification Process June 2021. Collection method: clinical testing. Allele origin: germline. Affected: yes.
Comment: Not observed at significant frequency in large population cohorts (gnomAD); In silico analysis supports that this missense variant does not alter protein structure/function; Has not been previously published as pathogenic or benign to our knowledge; This variant is associated with the following publications: (PMID: 25486365)